The following is an entry in ClinVar:

ClinVar aggregate classification (germline): Uncertain significance (1 of 4 stars; one submission).

Conditions:
Capillary malformation-arteriovenous malformation syndrome. Also called: Capillary malformation-arteriovenous malformation. Identifiers: Orphanet 137667, MedGen C1842180, MONDO:0012016.

Submission:

Labcorp Genetics (formerly Invitae), Labcorp
Classification: Uncertain significance for Capillary malformation-arteriovenous malformation syndrome. Last evaluated: 2022-05-14. Review status: criteria provided, single submitter. Criteria: Invitae Variant Classification Sherloc (09022015). Collection method: clinical testing. Allele origin: germline.
Comment: In summary, the available evidence is currently insufficient to determine the role of this variant in disease. Therefore, it has been classified as a Variant of Uncertain Significance. Algorithms developed to predict the effect of missense changes on protein structure and function (SIFT, PolyPhen-2, Align-GVGD) all suggest that this variant is likely to be disruptive. This variant has not been reported in the literature in individuals affected with RASA1-related conditions. This variant is not present in population databases (gnomAD no frequency). This sequence change replaces methionine, which is neutral and non-polar, with threonine, which is neutral and polar, at codon 953 of the RASA1 protein (p.Met953Thr).

NM_002890.3(RASA1):c.2858T>C (p.Met953Thr)

Genes: CCNH (cyclin H; minus strand), RASA1 (RAS p21 protein activator 1; plus strand). Cytogenetic location: 5q14.3.
Variant type: single nucleotide variant.
Coding change: c.2858T>C on transcript NM_002890.3 (MANE Select); coding-DNA position 2858, T replaced by C.
Protein change: p.Met953Thr; replaces methionine 953 with threonine.
Molecular consequence: missense variant. On other transcripts: intron variant (1).
Genome position (GRCh38, 1-based): chr5:87,386,836, T>C. VCF-style: chr5-87386836-T-C. GRCh37 (hg19) VCF-style: chr5-86682653-T-C.
Other names: c.2327T>C, p.Met776Thr (NM_022650.3); c.933+8208A>G (NM_001364075.2); short protein forms M953T, M776T.
Identifiers: ClinVar variation 1994300 (VCV001994300.4), dbSNP rs2531385608, ClinGen allele CA360386890.